The following is an entry in ClinVar:

ClinVar aggregate classification (germline): Uncertain significance. Review status: criteria provided, multiple submitters, no conflicts (2 of 4 stars). 2 submissions from 2 submitters: Uncertain significance (2). Last evaluated 2022-03-01.

Conditions:
Familial dysautonomia. Also called: FD; HSAN III. Identifiers: Orphanet 1764, MedGen C0013364, MONDO:0009131, OMIM 223900. Disease mechanism: loss of function.
Medulloblastoma (MDB). Also called: MEDULLOBLASTOMA PREDISPOSITION SYNDROME; Medulloblastoma, somatic. Identifiers: Orphanet 616, MedGen C0025149, MeSH D008527, MONDO:0007959, OMIM 155255, HP:0002885.

Allele frequency attached by ClinVar (database versions not stated): gnomAD exomes below 0.00001; gnomAD 0.00001.

Submissions (2):

Labcorp Genetics (formerly Invitae), Labcorp
Classification: Uncertain significance. Last evaluated: 2022-03-01. Review status: criteria provided, single submitter. Criteria: Invitae Variant Classification Sherloc (09022015). Collection method: clinical testing. Allele origin: germline.
Comment: This sequence change replaces tyrosine, which is neutral and polar, with histidine, which is basic and polar, at codon 978 of the ELP1 protein (p.Tyr978His). This variant is present in population databases (no rsID available, gnomAD no frequency). This variant has not been reported in the literature in individuals affected with ELP1-related conditions. Algorithms developed to predict the effect of missense changes on protein structure and function are either unavailable or do not agree on the potential impact of this missense change (SIFT: "Deleterious"; PolyPhen-2: "Possibly Damaging"; Align-GVGD: "Class C15"). In summary, the available evidence is currently insufficient to determine the role of this variant in disease. Therefore, it has been classified as a Variant of Uncertain Significance.

Fulgent Genetics
Classification: Uncertain significance for Medulloblastoma; Familial dysautonomia. Last evaluated: 2022-02-18. Review status: criteria provided, single submitter. Criteria: ACMG Guidelines, 2015. Collection method: clinical testing. Allele origin: unknown.

NM_003640.5(ELP1):c.2932T>C (p.Tyr978His)

Gene: ELP1 (elongator acetyltransferase complex subunit 1; minus strand). Cytogenetic location: 9q31.3.
Variant type: single nucleotide variant.
Coding change: c.2932T>C on transcript NM_003640.5 (MANE Select); coding-DNA position 2932, T replaced by C.
Protein change: p.Tyr978His; replaces tyrosine 978 with histidine.
Molecular consequence: missense variant.
Genome position (GRCh38, 1-based): chr9:108,893,012, A>G on the plus strand (T>C on the coding strand, the complement: ELP1 is on the minus strand). VCF-style: chr9-108893012-A-G. GRCh37 (hg19) VCF-style: chr9-111655292-A-G.
Other names: c.2590T>C, p.Tyr864His (NM_001318360.2); c.1885T>C, p.Tyr629His (NM_001330749.2); short protein forms Y864H, Y629H, Y978H.
Identifiers: ClinVar variation 1482670 (VCV001482670.6), dbSNP rs1435854424, ClinGen allele CA374418281.